The following is an entry in ClinVar:

ClinVar aggregate classification (germline): Uncertain significance. Review status: criteria provided, multiple submitters, no conflicts (2 of 4 stars). 2 submissions from 2 submitters: Uncertain significance (2). Last evaluated 2025-03-07.

Conditions:
Hereditary nonpolyposis colorectal neoplasms. Identifiers: MedGen C0009405, MeSH D003123.
Hereditary cancer-predisposing syndrome. Also called: Tumor predisposition; Neoplastic Syndromes, Hereditary; Hereditary neoplastic syndrome; Hereditary Cancer Syndrome. Identifiers: Orphanet 140162, MedGen C0027672, MeSH D009386, MONDO:0015356.

Submissions (2):

Ambry Genetics
Classification: Uncertain significance for Hereditary cancer-predisposing syndrome. Last evaluated: 2025-03-07. Review status: criteria provided, single submitter. Criteria: Ambry Variant Classification Scheme 2023. Collection method: clinical testing. Allele origin: germline.
Comment: The p.S517I variant (also known as c.1550G>T), located in coding exon 11 of the PMS2 gene, results from a G to T substitution at nucleotide position 1550. The serine at codon 517 is replaced by isoleucine, an amino acid with dissimilar properties. This amino acid position is conserved. In addition, this alteration is predicted to be tolerated by in silico analysis. Based on the available evidence, the clinical significance of this variant remains unclear.

Labcorp Genetics (formerly Invitae), Labcorp
Classification: Uncertain significance for Hereditary nonpolyposis colorectal neoplasms. Last evaluated: 2024-03-01. Review status: criteria provided, single submitter. Criteria: Invitae Variant Classification Sherloc (09022015). Collection method: clinical testing. Allele origin: germline.
Comment: This sequence change replaces serine, which is neutral and polar, with isoleucine, which is neutral and non-polar, at codon 517 of the PMS2 protein (p.Ser517Ile). This variant is not present in population databases (gnomAD no frequency). This variant has not been reported in the literature in individuals affected with PMS2-related conditions. ClinVar contains an entry for this variant (Variation ID: 1515561). Advanced modeling of protein sequence and biophysical properties (such as structural, functional, and spatial information, amino acid conservation, physicochemical variation, residue mobility, and thermodynamic stability) has been performed at Invitae for this missense variant, however the output from this modeling did not meet the statistical confidence thresholds required to predict the impact of this variant on PMS2 protein function. In summary, the available evidence is currently insufficient to determine the role of this variant in disease. Therefore, it has been classified as a Variant of Uncertain Significance.

NM_000535.7(PMS2):c.1550G>T (p.Ser517Ile)

Gene: PMS2 (PMS1 homolog 2, mismatch repair system component; minus strand). Cytogenetic location: 7p22.1.
Variant type: single nucleotide variant.
Coding change: c.1550G>T on transcript NM_000535.7 (MANE Select); coding-DNA position 1550, G replaced by T.
Protein change: p.Ser517Ile; replaces serine 517 with isoleucine.
Molecular consequence: missense variant. On other transcripts: non-coding transcript variant (1).
Genome position (GRCh38, 1-based): chr7:5,987,215, C>A on the plus strand (G>T on the coding strand, the complement: PMS2 is on the minus strand). VCF-style: chr7-5987215-C-A. GRCh37 (hg19) VCF-style: chr7-6026846-C-A.
Other names: c.1145G>T, p.Ser382Ile (NM_001322003.2, NM_001322004.2, NM_001322005.2 and 1 more transcripts); c.1394G>T, p.Ser465Ile (NM_001322006.2); c.1232G>T, p.Ser411Ile (NM_001322007.2, NM_001322008.2); c.989G>T, p.Ser330Ile (NM_001322010.2); c.617G>T, p.Ser206Ile (NM_001322011.2, NM_001322012.2); c.977G>T, p.Ser326Ile (NM_001322013.2); c.1550G>T, p.Ser517Ile (NM_001322014.2); c.1241G>T, p.Ser414Ile (NM_001322015.2); and 1 more; short protein forms S517I, S382I, S414I, S326I, S411I, S465I, S206I, S330I.
Identifiers: ClinVar variation 1515561 (VCV001515561.9), dbSNP rs1562630934, ClinGen allele CA366741609.
Genomic context (GRCh38, chr7:5,987,215, plus strand): 5'-TCCTGAGAGTCCACATGTTCCTGCGAGCCCCTGTCCCCTGGGGAGCTGGCCGCATACTCG[C>A]TGCTGCAGTGACTGCCCGTGTCTGGGATGCTGAACCCCTCAGAATCCACGGAAGTGCTGC-3'
Protein context (NP_000526.2, residues 507-527): SIPDTGSHCS[Ser517Ile]EYAASSPGDR